The following is an entry in ClinVar:

ClinVar aggregate classification (germline): Uncertain significance. Review status: criteria provided, multiple submitters, no conflicts (2 of 4 stars). 2 submissions from 2 submitters: Uncertain significance (2). Last evaluated 2026-09-02.

Conditions:
TGFB1-related disorder. Also called: TGFB1-related condition.

Allele frequency attached by ClinVar (database versions not stated): ExAC 0.00006.
gnomAD v4.1: 58 of 1,546,930 alleles (0.0037%); highest among the groups gnomAD compares: Middle Eastern, 0.017%; no homozygotes.

Submissions (2):

PreventionGenetics, part of Exact Sciences
Classification: Uncertain significance for TGFB1-related condition. Last evaluated: 2026-09-02. Review status: criteria provided, single submitter. Criteria: ACMG Guidelines, 2015. Collection method: clinical testing. Allele origin: germline.
Comment: The TGFB1 c.85G>A variant is predicted to result in the amino acid substitution p.Gly29Arg. To our knowledge, this variant has not been reported in the literature. This variant is reported in 0.013% of alleles in individuals of South Asian descent in gnomAD. At this time, the clinical significance of this variant is uncertain due to the absence of conclusive functional and genetic evidence.

Labcorp Genetics (formerly Invitae), Labcorp
Classification: Uncertain significance. Last evaluated: 2025-11-17. Review status: criteria provided, single submitter. Criteria: Invitae Variant Classification Sherloc (09022015). Collection method: clinical testing. Allele origin: germline.
Comment: This sequence change replaces glycine, which is neutral and non-polar, with arginine, which is basic and polar, at codon 29 of the TGFB1 protein (p.Gly29Arg). This variant is present in population databases (rs200868154, gnomAD 0.01%). This variant has not been reported in the literature in individuals affected with TGFB1-related conditions. ClinVar contains an entry for this variant (Variation ID: 2414800). An algorithm developed to predict the effect of missense changes on protein structure and function (PolyPhen-2) suggests that this variant is likely to be disruptive. In summary, the available evidence is currently insufficient to determine the role of this variant in disease. Therefore, it has been classified as a Variant of Uncertain Significance.

NM_000660.7(TGFB1):c.85G>A (p.Gly29Arg)

Gene: TGFB1 (transforming growth factor beta 1; minus strand). Cytogenetic location: 19q13.2.
Variant type: single nucleotide variant.
Coding change: c.85G>A on transcript NM_000660.7 (MANE Select); coding-DNA position 85, G replaced by A.
Protein change: p.Gly29Arg; replaces glycine 29 with arginine.
Molecular consequence: missense variant.
Genome position (GRCh38, 1-based): chr19:41,352,960, C>T on the plus strand (G>A on the coding strand, the complement: TGFB1 is on the minus strand). VCF-style: chr19-41352960-C-T. GRCh37 (hg19) VCF-style: chr19-41858865-C-T.
Other names: c.85G>A (NM_000660.6); short protein forms G29R.
Identifiers: ClinVar variation 2414800 (VCV002414800.6), dbSNP rs200868154, ClinGen allele CA9460175.